The following is an entry in ClinVar:

NM_016219.5(MAN1B1):c.1696G>C (p.Gly566Arg)

Gene: MAN1B1 (mannosidase alpha class 1B member 1; plus strand). Cytogenetic location: 9q34.3.
Variant type: single nucleotide variant.
Coding change: c.1696G>C on transcript NM_016219.5 (MANE Select); coding-DNA position 1696, G replaced by C.
Protein change: p.Gly566Arg; replaces glycine 566 with arginine.
Molecular consequence: missense variant. On other transcripts: non-coding transcript variant (2).
Genome position (GRCh38, 1-based): chr9:137,107,379, G>C. VCF-style: chr9-137107379-G-C. GRCh37 (hg19) VCF-style: chr9-140001831-G-C.
Other names: c.1588G>C, p.Gly530Arg (NM_007230.1); short protein forms G566R, G530R.
Identifiers: ClinVar variation 1904415 (VCV001904415.6), dbSNP rs922327357, ClinGen allele CA201699423.

ClinVar aggregate classification (germline): Uncertain significance. Review status: criteria provided, multiple submitters, no conflicts (2 of 4 stars). 2 submissions from 2 submitters: Uncertain significance (2). Last evaluated 2022-03-11.

Conditions:
Rafiq syndrome (RAFQS). Identifiers: Orphanet 88616, MedGen C3280127, MONDO:0013624, OMIM 614202.
Inborn genetic diseases. Identifiers: MedGen C0950123, MeSH D030342.

Allele frequency attached by ClinVar (database versions not stated): gnomAD 0.00004; gnomAD exomes 0.00001; TOPMed 0.00002.
gnomAD v4.1: 21 of 1,613,298 alleles (0.0013%); highest among the groups gnomAD compares: Non-Finnish European, 0.0017%; no homozygotes.

Submissions (2):

Labcorp Genetics (formerly Invitae), Labcorp
Classification: Uncertain significance for Rafiq syndrome. Last evaluated: 2022-03-11. Review status: criteria provided, single submitter. Criteria: Invitae Variant Classification Sherloc (09022015). Collection method: clinical testing. Allele origin: germline.
Comment: This sequence change replaces glycine, which is neutral and non-polar, with arginine, which is basic and polar, at codon 566 of the MAN1B1 protein (p.Gly566Arg). This variant is present in population databases (no rsID available, gnomAD 0.003%). This variant has not been reported in the literature in individuals affected with MAN1B1-related conditions. Algorithms developed to predict the effect of missense changes on protein structure and function are either unavailable or do not agree on the potential impact of this missense change (SIFT: "Tolerated"; PolyPhen-2: "Probably Damaging"; Align-GVGD: "Class C0"). In summary, the available evidence is currently insufficient to determine the role of this variant in disease. Therefore, it has been classified as a Variant of Uncertain Significance.

Ambry Genetics
Classification: Uncertain significance for Inborn genetic diseases. Last evaluated: 2021-10-06. Review status: criteria provided, single submitter. Criteria: Ambry Variant Classification Scheme 2023. Collection method: clinical testing. Allele origin: germline.